The following is an entry in ClinVar:

NC_000016.10:g.2047843_2047859dup

Genes: NTHL1 (nth like DNA glycosylase 1; minus strand), LOC130058209 (ATAC-STARR-seq lymphoblastoid active region 10253; plus strand). Cytogenetic location: 16p13.3.
Variant type: Duplication.
Genome position: GRCh38 VCF-style: chr16-2047841-T-TACACATCCCGGCGGCCC. GRCh37 (hg19) VCF-style: chr16-2097842-T-TACACATCCCGGCGGCCC.
Identifiers: ClinVar variation 1404075 (VCV001404075.6), dbSNP rs2084533558, ClinGen allele CA973766459.

ClinVar aggregate classification (germline): Uncertain significance (1 of 4 stars; one submission).

Submission:

Labcorp Genetics (formerly Invitae), Labcorp
Classification: Uncertain significance. Last evaluated: 2023-02-07. Review status: criteria provided, single submitter. Criteria: Invitae Variant Classification Sherloc (09022015). Collection method: clinical testing. Allele origin: germline.
Comment: In summary, the available evidence is currently insufficient to determine the role of this variant in disease. Therefore, it has been classified as a Variant of Uncertain Significance. This variant spans a region where an initiator methionine (Met1) is located. Experimental studies have shown that endogenous translation initiation may occur from a downstream initiator methionine at codon 9 that results in an NTHL1 protein with a different N-terminus (PMID: 22927429, 34226921). Therefore, it is unclear whether this sequence change would disrupt NTHL1 protein expression or function. This variant occurs in a non-coding region of the NTHL1 gene. It does not change the encoded amino acid sequence of the NTHL1 protein. This variant is not present in population databases (gnomAD no frequency). This variant has not been reported in the literature in individuals affected with NTHL1-related conditions. This variant is also known as c.-11_6dup (p.Ser3Glyfs*13). ClinVar contains an entry for this variant (Variation ID: 1404075).

Literature cited by the submitters: PubMed 22927429; PubMed 34226921.